The following is an entry in ClinVar:

ClinVar aggregate classification (germline): Uncertain significance. Review status: criteria provided, multiple submitters, no conflicts (2 of 4 stars). 10 submissions from 10 submitters: Uncertain significance (10). Last evaluated 2026-02-13.

Conditions:
Cardiovascular phenotype. Identifiers: MedGen CN230736.
Cardiomyopathy (CMYO). Also called: Cardiomyopathies. Identifiers: Orphanet 167848, MedGen C0878544, MONDO:0004994, HP:0001638. Inheritance: Various modes of inheritance.
Dilated cardiomyopathy 1FF (CMD1FF). Identifiers: Orphanet 154, MedGen C2750091, MONDO:0013211, OMIM 613286.
Hypertrophic cardiomyopathy. Also called: HYPERTROPHIC MYOCARDIOPATHY. Identifiers: Orphanet 217569, MedGen C0007194, MeSH D002312, MONDO:0005045, HP:0001639.

Allele frequency attached by ClinVar (database versions not stated): TOPMed below 0.00001; gnomAD 0.00001; gnomAD exomes 0.00002; ExAC 0.00003.
gnomAD v4.1: 30 of 1,614,060 alleles (0.0019%); highest among the groups gnomAD compares: Non-Finnish European, 0.0025%; no homozygotes.

Submissions (10):

OLLIN Analises Genomicas, OLLIN
Classification: Uncertain significance for Dilated cardiomyopathy 1FF. Last evaluated: 2026-02-13. Review status: criteria provided, single submitter. Criteria: ACMG Guidelines 2015 PMID 25741868. Collection method: clinical testing. Allele origin: germline. Observed: 1 variant allele.
Comment: PM2_P, PP3

Women's Health and Genetics/Laboratory Corporation of America, LabCorp
Classification: Uncertain significance. Last evaluated: 2026-01-16. Review status: criteria provided, single submitter. Criteria: LabCorp Variant Classification Summary - May 2015. Collection method: clinical testing. Allele origin: germline.
Comment: Variant summary: TNNI3 c.331A>G (p.Arg111Gly) results in a non-conservative amino acid change in the encoded protein sequence. Algorithms developed to predict the effect of missense changes on protein structure and function all suggest that this variant is likely to be disruptive. The variant allele was found at a frequency of 2.4e-05 in 249460 control chromosomes. The available data on variant occurrences in the general population are insufficient to allow any conclusion about variant significance. c.331A>G has been observed in individual(s) from a left ventricular noncompaction study population (Grebur_2024). These report(s) do not provide unequivocal conclusions about association of the variant with Cardiomyopathy. To our knowledge, no experimental evidence demonstrating an impact on protein function has been reported. The following publication has been ascertained in the context of this evaluation (PMID: 39236040). ClinVar contains an entry for this variant (Variation ID: 181600). Based on the evidence outlined above, the variant was classified as uncertain significance.

Ambry Genetics
Classification: Uncertain significance for Cardiovascular phenotype. Last evaluated: 2024-12-19. Review status: criteria provided, single submitter. Criteria: Ambry Variant Classification Scheme 2023. Collection method: clinical testing. Allele origin: germline.
Comment: The p.R111G variant (also known as c.331A>G), located in coding exon 6 of the TNNI3 gene, results from an A to G substitution at nucleotide position 331. The arginine at codon 111 is replaced by glycine, an amino acid with dissimilar properties. This variant was reported in an individual in a left ventricular non-compaction (LVNC) cohort, but clinical details were limited (Grebur K et al. Front Cardiovasc Med, 2024 Feb;11:1337378). This amino acid position is conserved. In addition, this alteration is predicted to be deleterious by in silico analysis. Based on the available evidence, the clinical significance of this variant remains unclear.

Labcorp Genetics (formerly Invitae), Labcorp
Classification: Uncertain significance for Hypertrophic cardiomyopathy. Last evaluated: 2024-11-13. Review status: criteria provided, single submitter. Criteria: Invitae Variant Classification Sherloc (09022015). Collection method: clinical testing. Allele origin: germline.
Comment: This sequence change replaces arginine, which is basic and polar, with glycine, which is neutral and non-polar, at codon 111 of the TNNI3 protein (p.Arg111Gly). This variant is present in population databases (rs730881088, gnomAD 0.004%). This variant has not been reported in the literature in individuals affected with TNNI3-related conditions. ClinVar contains an entry for this variant (Variation ID: 181600). An algorithm developed to predict the effect of missense changes on protein structure and function (PolyPhen-2) suggests that this variant is likely to be disruptive. In summary, the available evidence is currently insufficient to determine the role of this variant in disease. Therefore, it has been classified as a Variant of Uncertain Significance.

All of Us Research Program, National Institutes of Health
Classification: Uncertain significance for Hypertrophic cardiomyopathy. Last evaluated: 2024-08-06. Review status: criteria provided, single submitter. Criteria: ACMG Guidelines, 2015. Collection method: clinical testing. Allele origin: germline. Inheritance: Autosomal dominant inheritance. Observed: 11 variant alleles, 11 heterozygotes.
Comment: This missense variant replaces arginine with glycine at codon 111 of the TNNI3 protein. Computational prediction tools and conservation analyses suggest that this variant may have deleterious impact on the protein function. Computational splicing tools suggest that this variant may not impact RNA splicing. To our knowledge, functional assays have not been performed for this variant nor has this variant been reported in individuals affected with cardiovascular disorders in the literature. This variant has been identified in 6/249460 chromosomes in the general population by the Genome Aggregation Database (gnomAD). Available evidence is insufficient to determine the role of this variant in disease conclusively. Therefore, this variant is classified as a Variant of Uncertain Significance.

This study involves interpretation of variants in research participants for the purpose of population health screening. Participant phenotype was not available at the time of variant classification. Additional details can be found in publication PMID: 35346344, PMCID: PMC8962531

Color Diagnostics, LLC DBA Color Health
Classification: Uncertain significance for Cardiomyopathy. Last evaluated: 2024-03-07. Review status: criteria provided, single submitter. Criteria: ACMG Guidelines, 2015. Collection method: clinical testing. Allele origin: germline.
Comment: This missense variant replaces arginine with glycine at codon 111 of the TNNI3 protein. Computational prediction tools indicate that this variant has a deleterious impact on protein structure and function. To our knowledge, functional studies have not been reported for this variant. This variant has been reported in one individual affected with left ventricular noncompaction (PMID: 38380180). This variant has been identified in 6/249460 chromosomes in the general population by the Genome Aggregation Database (gnomAD). The available evidence is insufficient to determine the role of this variant in disease conclusively. Therefore, this variant is classified as a Variant of Uncertain Significance.

CHEO Genetics Diagnostic Laboratory, Children's Hospital of Eastern Ontario
Classification: Uncertain significance for Cardiomyopathy. Last evaluated: 2023-03-23. Review status: criteria provided, single submitter. Criteria: ACMG Guidelines, 2015. Collection method: clinical testing. Allele origin: germline.

Victorian Clinical Genetics Services, Murdoch Childrens Research Institute
Classification: Uncertain significance for Dilated cardiomyopathy 1FF. Last evaluated: 2022-09-02. Review status: criteria provided, single submitter. Criteria: ACMG Guidelines, 2015. Collection method: clinical testing. Allele origin: germline. Inheritance: Autosomal dominant inheritance. Affected: yes.
Comment: Based on the classification scheme VCGS_Germline_v1.3.4, this variant is classified as VUS-3B. Following criteria are met: 0103 - Gain of function and loss of function are reported mechanisms of disease in this gene. The former is associated with familial restrictive cardiomyopathy 1 (MIM#115210) and hypertrophic cardiomyopathy 7 (MIM#613690), while the latter is associated with dilated cardiomyopathy 1FF (MIM#613286) (PMIDs: 19914256, 21533915). (I) 0108 - This gene is associated with both recessive and dominant disease. The recessive form of inheritance is the exception and has only been reported in a small number of families (PMIDs: 15070570, 23270746). (I) 0112 - The condition associated with this gene has incomplete penetrance (PMID: 15607392). (I) 0115 - Variants in this gene are known to have variable expressivity (PMID: 23270746). (I) 0200 - Variant is predicted to result in a missense amino acid change from arginine to glycine. (I) 0251 - This variant is heterozygous. (I) 0302 - Variant is present in gnomAD (v2) <0.001 for a dominant condition (6 heterozygotes, 0 homozygotes). (SP) 0501 - Missense variant consistently predicted to be damaging by multiple in silico tools or highly conserved with a major amino acid change. (SP) 0600 - Variant is located in the annotated troponin domain (DECIPHER). (I) 0710 - Another missense variant comparable to the one identified in this case has inconclusive previous evidence for pathogenicity. p.(Arg111Ile) has been reported as a VUS (ClinVar). (I) 0809 - Previous evidence of pathogenicity for this variant is inconclusive. It has been reported as a VUS in multiple individuals, including an adult with DCM, two adults with HCM who harboured other pathogenic HCM/DCM variant(s), and five individuals not known to have heart disease (ClinVar, personal communication). (I) 0905 - No published segregation evidence has been identified for this variant. (I) 1007 - No published functional evidence has been identified for this variant. (I) 1208 - Inheritance information for this variant is not currently available in this individual. (I) Legend: (SP) - Supporting pathogenic, (I) - Information, (SB) - Supporting benign

Blueprint Genetics
Classification: Uncertain significance. Last evaluated: 2021-11-26. Review status: criteria provided, single submitter. Criteria: ACMG Guidelines, 2015. Collection method: clinical testing. Allele origin: germline.

GeneDx
Classification: Uncertain significance. Last evaluated: 2016-06-06. Review status: criteria provided, single submitter. Criteria: GeneDx Variant Classification (06012015). Collection method: clinical testing. Allele origin: germline. Affected: yes.
Comment: The R111G variant of uncertain significance in the TNNI3 gene has not been published as a pathogenic variant or been reported as a benign variant to our knowledge. This variant was not observed in approximately 6,400 individuals of European and African American ancestry in the NHLBI Exome Sequencing Project, indicating it is not a common benign variant in these populations. Two variants in nearby residues (A116G, T119N) have been reported in the Human Gene Mutation Database in association with cariomyopathy (Stenson et al., 2014); however, the pathogenicty of these variants has not been definitively determined. The R111G variant is a non-conservative amino acid substitution, which is likely to impact secondary protein structure as these residues differ in polarity, charge, size and/or other properties. Additionally, this substitution occurs at a position that is conserved across species. Consequently, in silico analysis predicts this variant is probably damaging to the protein structure/function. Nevertheless, functional studies have not been performed in order to definitively determine the impact of this variant on protein structure and function. Therefore, based on the currently available information, it is unclear whether this variant is a pathogenic variant or a rare benign variant.

Literature cited by the submitters: PubMed 39236040 (cited by Women's Health and Genetics/Laboratory Corporation of America, LabCorp); PubMed 38380180 (cited by Ambry Genetics and Color Diagnostics, LLC DBA Color Health); PubMed 15070570 (cited by Victorian Clinical Genetics Services, Murdoch Childrens Research Institute); PubMed 15607392 (cited by Victorian Clinical Genetics Services, Murdoch Childrens Research Institute); PubMed 19914256 (cited by Victorian Clinical Genetics Services, Murdoch Childrens Research Institute); PubMed 21533915 (cited by Victorian Clinical Genetics Services, Murdoch Childrens Research Institute); PubMed 23270746 (cited by Victorian Clinical Genetics Services, Murdoch Childrens Research Institute).

NM_000363.5(TNNI3):c.331A>G (p.Arg111Gly)

Gene: TNNI3 (troponin I3, cardiac type; minus strand). Cytogenetic location: 19q13.42.
Variant type: single nucleotide variant.
Coding change: c.331A>G on transcript NM_000363.5 (MANE Select); coding-DNA position 331, A replaced by G.
Protein change: p.Arg111Gly; replaces arginine 111 with glycine.
Molecular consequence: missense variant.
Genome position (GRCh38, 1-based): chr19:55,154,782, T>C on the plus strand (A>G on the coding strand, the complement: TNNI3 is on the minus strand). VCF-style: chr19-55154782-T-C. GRCh37 (hg19) VCF-style: chr19-55666150-T-C.
Other names: p.R111G:AGA>GGA; c.331A>G (LRG_432t1); short protein forms R111G.
Identifiers: ClinVar variation 181600 (VCV000181600.24), dbSNP rs730881088, ClinGen allele CA021503.